The following is an entry in ClinVar:

NM_005491.5(MAMLD1):c.2176C>G (p.Arg726Gly)

Gene: MAMLD1 (mastermind like domain containing 1; plus strand). Cytogenetic location: Xq28.
Variant type: single nucleotide variant.
Coding change: c.2176C>G on transcript NM_005491.5 (MANE Select); coding-DNA position 2176, C replaced by G.
Protein change: p.Arg726Gly; replaces arginine 726 with glycine.
Molecular consequence: missense variant. On other transcripts: intron variant (2).
Genome position (GRCh38, 1-based): chrX:150,503,409, C>G. VCF-style: chrX-150503409-C-G. GRCh37 (hg19) VCF-style: chrX-149671679-C-G.
Other names: c.2101C>G, p.Arg701Gly (NM_001177466.3); c.2053C>G, p.Arg685Gly (NM_001400513.1); c.1978C>G, p.Arg660Gly (NM_001400514.1); c.2176C>G, p.Arg726Gly (NM_001400515.1); c.1918-6553C>G (NM_001400512.1); c.1843-6553C>G (NM_001177465.3); short protein forms R660G, R685G, R726G, R701G.
Identifiers: ClinVar variation 4766339 (VCV004766339.1).
Genomic context (GRCh38, chrX:150,503,409, plus strand): 5'-TGCCAGGCCCTGGGGAGTGAGTCCTTCCTGCCCGGCAGCTCCTTTGCTCATGAGCTGGCC[C>G]GAGTCACCTCCTCGTACAGCACCTCAGAGGCAGCGCCCTGGGGCAGCTGGGATCCGAAGG-3'
Protein context (NP_005482.2, residues 716-736): PGSSFAHELA[Arg726Gly]VTSSYSTSEA

ClinVar aggregate classification (germline): Uncertain significance (1 of 4 stars; one submission).

Submission:

Labcorp Genetics (formerly Invitae), Labcorp
Classification: Uncertain significance. Last evaluated: 2025-10-01. Review status: criteria provided, single submitter. Criteria: Invitae Variant Classification Sherloc (09022015). Collection method: clinical testing. Allele origin: germline.
Comment: This sequence change replaces arginine, which is basic and polar, with glycine, which is neutral and non-polar, at codon 726 of the MAMLD1 protein (p.Arg726Gly). This variant is not present in population databases (gnomAD no frequency). This variant has not been reported in the literature in individuals affected with MAMLD1-related conditions. An algorithm developed to predict the effect of missense changes on protein structure and function (PolyPhen-2) suggests that this variant is likely to be disruptive. In summary, the available evidence is currently insufficient to determine the role of this variant in disease. Therefore, it has been classified as a Variant of Uncertain Significance.